The following is an entry in ClinVar:

ClinVar aggregate classification (germline): Uncertain significance. Review status: criteria provided, multiple submitters, no conflicts (2 of 4 stars). 3 submissions from 3 submitters: Uncertain significance (3). Last evaluated 2025-05-29.

Conditions:
Hereditary cancer-predisposing syndrome. Also called: Neoplastic Syndromes, Hereditary; Tumor predisposition; Hereditary Cancer Syndrome; Hereditary neoplastic syndrome. Identifiers: Orphanet 140162, MedGen C0027672, MeSH D009386, MONDO:0015356.
Bloom syndrome (BLM). Also called: Bloom-Torre-Machacek syndrome. Identifiers: Orphanet 125, MedGen C0005859, MONDO:0008876, OMIM 210900.

Allele frequency attached by ClinVar (database versions not stated): gnomAD exomes below 0.00001; TOPMed below 0.00001.
gnomAD v4.1: 1 of 1,614,080 alleles (0.000062%); highest among the groups gnomAD compares: Non-Finnish European, 0.000085%; no homozygotes.

Submissions (3):

Ambry Genetics
Classification: Uncertain significance for Hereditary cancer-predisposing syndrome. Last evaluated: 2025-05-29. Review status: criteria provided, single submitter. Criteria: Ambry Variant Classification Scheme 2023. Collection method: clinical testing. Allele origin: germline.
Comment: The p.G1220E variant (also known as c.3659G>A), located in coding exon 18 of the BLM gene, results from a G to A substitution at nucleotide position 3659. The glycine at codon 1220 is replaced by glutamic acid, an amino acid with similar properties. This amino acid position is conserved. In addition, this alteration is predicted to be tolerated by in silico analysis. Since supporting evidence is limited at this time, the clinical significance of this alteration remains unclear.

Labcorp Genetics (formerly Invitae), Labcorp
Classification: Uncertain significance for Bloom syndrome. Last evaluated: 2024-12-18. Review status: criteria provided, single submitter. Criteria: Invitae Variant Classification Sherloc (09022015). Collection method: clinical testing. Allele origin: germline.
Comment: This sequence change replaces glycine, which is neutral and non-polar, with glutamic acid, which is acidic and polar, at codon 1220 of the BLM protein (p.Gly1220Glu). This variant is not present in population databases (gnomAD no frequency). This variant has not been reported in the literature in individuals affected with BLM-related conditions. ClinVar contains an entry for this variant (Variation ID: 1733648). Invitae Evidence Modeling of protein sequence and biophysical properties (such as structural, functional, and spatial information, amino acid conservation, physicochemical variation, residue mobility, and thermodynamic stability) indicates that this missense variant is not expected to disrupt BLM protein function with a negative predictive value of 80%. In summary, the available evidence is currently insufficient to determine the role of this variant in disease. Therefore, it has been classified as a Variant of Uncertain Significance.

Women's Health and Genetics/Laboratory Corporation of America, LabCorp
Classification: Uncertain significance. Last evaluated: 2024-09-26. Review status: criteria provided, single submitter. Criteria: LabCorp Variant Classification Summary - May 2015. Collection method: clinical testing. Allele origin: germline.

NM_000057.4(BLM):c.3659G>A (p.Gly1220Glu)

Gene: BLM (BLM RecQ like helicase; plus strand). Cytogenetic location: 15q26.1.
Variant type: single nucleotide variant.
Coding change: c.3659G>A on transcript NM_000057.4 (MANE Select); coding-DNA position 3659, G replaced by A.
Protein change: p.Gly1220Glu; replaces glycine 1220 with glutamic acid.
Molecular consequence: missense variant. On other transcripts: intron variant (1).
Genome position (GRCh38, 1-based): chr15:90,804,267, G>A. VCF-style: chr15-90804267-G-A. GRCh37 (hg19) VCF-style: chr15-91347497-G-A.
Other names: c.3659G>A, p.Gly1220Glu (NM_001287246.2); c.2534G>A, p.Gly845Glu (NM_001287248.2); c.3359-4870G>A (NM_001287247.2); short protein forms G845E, G1220E.
Identifiers: ClinVar variation 1733648 (VCV001733648.9), dbSNP rs1897235538, ClinGen allele CA393848105.